The following is an entry in ClinVar:

ClinVar aggregate classification (germline): Uncertain significance (1 of 4 stars; one submission).

Conditions:
Tuberous sclerosis 2 (TSC2). Identifiers: Orphanet 805, MedGen C1860707, MONDO:0013199, OMIM 613254.

Submission:

Labcorp Genetics (formerly Invitae), Labcorp
Classification: Uncertain significance for Tuberous sclerosis 2. Last evaluated: 2026-01-06. Review status: criteria provided, single submitter. Criteria: Invitae Variant Classification Sherloc (09022015). Collection method: clinical testing. Allele origin: germline.
Comment: This sequence change replaces glutamic acid, which is acidic and polar, with valine, which is neutral and non-polar, at codon 787 of the TSC2 protein (p.Glu787Val). This variant is not present in population databases (gnomAD no frequency). This variant has not been reported in the literature in individuals affected with TSC2-related conditions. Invitae Evidence Modeling of protein sequence and biophysical properties (such as structural, functional, and spatial information, amino acid conservation, physicochemical variation, residue mobility, and thermodynamic stability) indicates that this missense variant is not expected to disrupt TSC2 protein function with a negative predictive value of 95%. In summary, the available evidence is currently insufficient to determine the role of this variant in disease. Therefore, it has been classified as a Variant of Uncertain Significance.

NM_000548.5(TSC2):c.2360A>T (p.Glu787Val)

Gene: TSC2 (TSC complex subunit 2; plus strand). Cytogenetic location: 16p13.3.
Variant type: single nucleotide variant.
Coding change: c.2360A>T on transcript NM_000548.5 (MANE Select); coding-DNA position 2360, A replaced by T.
Protein change: p.Glu787Val; replaces glutamic acid 787 with valine.
Molecular consequence: missense variant. On other transcripts: non-coding transcript variant (5).
Genome position (GRCh38, 1-based): chr16:2,074,204, A>T. VCF-style: chr16-2074204-A-T. GRCh37 (hg19) VCF-style: chr16-2124205-A-T.
Other names: c.2348A>T, p.Glu783Val (NM_001406671.1, NM_001406673.1); c.2213A>T, p.Glu738Val (NM_001406675.1, NM_001406676.1, NM_001406679.1 and 1 more transcripts); c.2303A>T, p.Glu768Val (NM_001406677.1); c.2249A>T, p.Glu750Val (NM_001406678.1, NM_001318827.2, NM_001406670.1); c.1760A>T, p.Glu587Val (NM_001406680.1, NM_001406682.1, NM_001318831.2 and 6 more transcripts); c.1898A>T, p.Glu633Val (NM_001406681.1); c.1016A>T, p.Glu339Val (NM_001406692.1, NM_001406693.1, NM_001406694.1 and 6 more transcripts); c.758A>T, p.Glu253Val (NM_001406698.1); and 3 more; short protein forms E253V, E339V, E587V, E633V, E738V, E750V, E768V, E783V.
Identifiers: ClinVar variation 4802860 (VCV004802860.1).